The following is an entry in ClinVar:

ClinVar aggregate classification (germline): Uncertain significance. Review status: criteria provided, multiple submitters, no conflicts (2 of 4 stars). 2 submissions from 2 submitters: Uncertain significance (2). Last evaluated 2021-12-17.

Conditions:
Progressive familial heart block type IB (PFHB1B). Identifiers: Orphanet 871, MedGen C1970298, MONDO:0011474, OMIM 604559.
Cardiovascular phenotype. Identifiers: MedGen CN230736.

Allele frequency attached by ClinVar (database versions not stated): gnomAD exomes below 0.00001; gnomAD 0.00001; TOPMed 0.00001; ESP Exome Variant Server 0.00008.
gnomAD v4.1: 2 of 1,613,908 alleles (0.00012%); highest among the groups gnomAD compares: Non-Finnish European, 0.00017%; no homozygotes.

Submissions (2):

Labcorp Genetics (formerly Invitae), Labcorp
Classification: Uncertain significance for Progressive familial heart block type IB. Last evaluated: 2021-12-17. Review status: criteria provided, single submitter. Criteria: Invitae Variant Classification Sherloc (09022015). Collection method: clinical testing. Allele origin: germline.
Comment: This variant has not been reported in the literature in individuals affected with TRPM4-related conditions. This sequence change affects an acceptor splice site in intron 3 of the TRPM4 gene. It is expected to disrupt RNA splicing. Variants that disrupt the donor or acceptor splice site typically lead to a loss of protein function (PMID: 16199547), however the current clinical and genetic evidence is not sufficient to establish whether loss-of-function variants in TRPM4 cause disease. The frequency data for this variant in the population databases is considered unreliable, as metrics indicate poor data quality at this position in the gnomAD database. ClinVar contains an entry for this variant (Variation ID: 1015195). Algorithms developed to predict the effect of sequence changes on RNA splicing suggest that this variant may disrupt the consensus splice site. In summary, the available evidence is currently insufficient to determine the role of this variant in disease. Therefore, it has been classified as a Variant of Uncertain Significance.

Ambry Genetics
Classification: Uncertain significance for Cardiovascular phenotype. Last evaluated: 2020-12-22. Review status: criteria provided, single submitter. Criteria: Ambry Variant Classification Scheme 2023. Collection method: clinical testing. Allele origin: germline.
Comment: The c.268-1G>A intronic variant results from a G to A substitution one nucleotide upstream from coding exon 4 of the TRPM4 gene. This nucleotide position is highly conserved in available vertebrate species. In silico splice site analysis predicts that this alteration will weaken the native splice acceptor site. Alterations that disrupt the canonical splice site are expected to cause aberrant splicing, resulting in an abnormal protein or a transcript that is subject to nonsense-mediated mRNA decay. However, loss of function of TRPM4 has not been clearly established as a mechanism of disease. Since supporting evidence is limited at this time, the clinical significance of this alteration remains unclear.

Literature cited by the submitters: PubMed 16199547 (cited by Labcorp Genetics (formerly Invitae), Labcorp).

NM_017636.4(TRPM4):c.268-1G>A

Gene: TRPM4 (transient receptor potential cation channel subfamily M member 4; plus strand). Cytogenetic location: 19q13.33.
Variant type: single nucleotide variant.
Coding change: c.268-1G>A on transcript NM_017636.4 (MANE Select); the canonical splice acceptor site of the intron before coding-DNA position 268, G replaced by A.
Molecular consequence: splice acceptor variant. On other transcripts: intron variant (4).
Genome position (GRCh38, 1-based): chr19:49,167,916, G>A. VCF-style: chr19-49167916-G-A. GRCh37 (hg19) VCF-style: chr19-49671173-G-A.
Other names: c.268-1G>A (NM_001195227.2); c.-1105-344G>A (NM_001321282.2); c.268-637G>A (NM_001321281.2); c.-74-344G>A (NM_001321283.2); c.-237-637G>A (NM_001321285.2).
Identifiers: ClinVar variation 1015195 (VCV001015195.9), dbSNP rs140487844, ClinGen allele CA309430617.